The following is an entry in ClinVar:

ClinVar aggregate classification (germline): Uncertain significance (1 of 4 stars; one submission).

Conditions:
Long QT syndrome (LQTS). Identifiers: MedGen C0023976, MeSH D008133, MONDO:0002442. Disease mechanism: loss of function. Inheritance: Various modes of inheritance.

Submission:

Labcorp Genetics (formerly Invitae), Labcorp
Classification: Uncertain significance for Long QT syndrome. Last evaluated: 2023-02-04. Review status: criteria provided, single submitter. Criteria: Invitae Variant Classification Sherloc (09022015). Collection method: clinical testing. Allele origin: germline.
Comment: This variant is not present in population databases (gnomAD no frequency). In summary, the available evidence is currently insufficient to determine the role of this variant in disease. Therefore, it has been classified as a Variant of Uncertain Significance. Experimental studies and prediction algorithms are not available or were not evaluated, and the functional significance of this variant is currently unknown. This variant has not been reported in the literature in individuals affected with AKAP9-related conditions. This sequence change creates a premature translational stop signal (p.Gln2296*) in the AKAP9 gene. It is expected to result in an absent or disrupted protein product. However, the current clinical and genetic evidence is not sufficient to establish whether loss-of-function variants in AKAP9 cause disease.

NM_005751.5(AKAP9):c.6885_6888del (p.Asp2295_Gln2296insTer)

Gene: AKAP9 (A-kinase anchoring protein 9; plus strand). Cytogenetic location: 7q21.2.
Variant type: Deletion.
Coding change: c.6885_6888del on transcript NM_005751.5 (MANE Select); coding-DNA positions 6885 to 6888, 4 bases deleted (CCAA; older notation c.6885_6888delCCAA).
Protein change: p.Asp2295_Gln2296insTer.
Molecular consequence: frameshift variant.
Genome position (GRCh38, 1-based): chr7:92,077,815-92,077,818, CCAA deleted; deleting any 4 consecutive bases within chr7:92,077,814-92,077,818 gives the same sequence; the c. name uses the placement nearest the transcript's 3' end. VCF-style (leftmost placement, unchanged base first): chr7-92077813-GACCA-G. GRCh37 (hg19) VCF-style: chr7-91707127-GACCA-G.
Other names: c.1530_1533del, p.Asp510_Gln511insTer (NM_001379277.1); c.6861_6864del, p.Asp2287_Gln2288insTer (NM_147185.3).
Identifiers: ClinVar variation 2834442 (VCV002834442.3), dbSNP rs2535240334, ClinGen allele CA2739266531.
Genomic context (GRCh38, chr7:92,077,813, plus strand): 5'-GACCAACATGTGCTATTTGGGAAATTTGCTCAAATAATACAGGAAAAAGAGGTAGAAATT[GACCA>G]ATTAAATGAACAAGTTACGAAACTCCAGCAGCAACTTAAAATTACAACAGATAACAAGGT-3'